The following is an entry in ClinVar:

NM_014363.6(SACS):c.2106A>G (p.Pro702=)

Gene: SACS (sacsin molecular chaperone; minus strand). Cytogenetic location: 13q12.12.
Variant type: single nucleotide variant.
Coding change: c.2106A>G on transcript NM_014363.6 (MANE Select); coding-DNA position 2106, A replaced by G.
Protein change: p.Pro702=; no amino-acid change (proline 702 retained).
Molecular consequence: synonymous variant.
Genome position (GRCh38, 1-based): chr13:23,353,864, T>C on the plus strand (A>G on the coding strand, the complement: SACS is on the minus strand). VCF-style: chr13-23353864-T-C. GRCh37 (hg19) VCF-style: chr13-23928003-T-C.
Other names: c.1665A>G, p.Pro555= (NM_001278055.2); c.2106A>G (NM_014363.5).
Identifiers: ClinVar variation 1941531 (VCV001941531.7), dbSNP rs773351932, ClinGen allele CA6911770.

ClinVar aggregate classification (germline): Likely benign. Review status: criteria provided, single submitter (1 of 4 stars). 2 submissions from 2 submitters: Likely benign (1). 1 of the submissions does not count toward it. Last evaluated 2024-02-01.

Conditions:
SACS-related disorder. Also called: SACS-related condition.
Spastic paraplegia. Identifiers: MedGen C0037772, HP:0001258.

Allele frequency attached by ClinVar (database versions not stated): ExAC 0.00001; gnomAD exomes 0.00001.
gnomAD v4.1: 8 of 1,598,992 alleles (0.0005%); highest among the groups gnomAD compares: South Asian, 0.0022%; no homozygotes.

Submissions (2):

Labcorp Genetics (formerly Invitae), Labcorp
Classification: Likely benign for Spastic paraplegia. Last evaluated: 2024-02-01. Review status: criteria provided, single submitter. Criteria: Invitae Variant Classification Sherloc (09022015). Collection method: clinical testing. Allele origin: germline.

PreventionGenetics, part of Exact Sciences
Classification: Likely benign for SACS-related condition. Last evaluated: 2023-11-16. Review status: no assertion criteria provided. Collection method: clinical testing. Allele origin: germline. Not counted in ClinVar's aggregate classification.
Comment: This variant is classified as likely benign based on ACMG/AMP sequence variant interpretation guidelines (Richards et al. 2015 PMID: 25741868, with internal and published modifications).